The following is an entry in ClinVar:

ClinVar aggregate classification (germline): Conflicting classifications of pathogenicity. Review status: criteria provided, conflicting classifications (1 of 4 stars). 8 submissions from 8 submitters: Uncertain significance (7); Likely benign (1). Last evaluated 2025-05-18.

Conditions:
Hereditary breast ovarian cancer syndrome. Also called: Hereditary breast and ovarian cancer syndrome; Hereditary breast and ovarian cancer syndrome (HBOC); BRCA1- and BRCA2-Associated Hereditary Breast and Ovarian Cancer; Breast and ovarian cancer; Hereditary breast and ovarian cancer; Hereditary breast and/or ovarian cancer syndrome. Identifiers: Orphanet 145, MedGen C0677776, MeSH D061325, MONDO:0003582. Disease mechanism: loss of function.
Breast-ovarian cancer, familial, susceptibility to, 1 (BROVCA1). Also called: OVARIAN CANCER, SUSCEPTIBILITY TO; BRCA1 Hereditary Breast and Ovarian Cancer. Identifiers: Orphanet 145, MedGen C2676676, MONDO:0011450, OMIM 604370. Disease mechanism: loss of function.
Hereditary cancer-predisposing syndrome. Also called: Hereditary Cancer Syndrome; Hereditary neoplastic syndrome; Tumor predisposition; Neoplastic Syndromes, Hereditary. Identifiers: Orphanet 140162, MedGen C0027672, MeSH D009386, MONDO:0015356.

Allele frequency attached by ClinVar (database versions not stated): gnomAD 0.00001; gnomAD exomes 0.00001 and below 0.00001; TOPMed 0.00001; ExAC 0.00002; 1000 Genomes Project 30x 0.00016; 1000 Genomes Project 0.00020.
gnomAD v4.1: 5 of 1,614,132 alleles (0.00031%); highest among the groups gnomAD compares: African/African-American, 0.004%; no homozygotes.

Submissions (8):

Labcorp Genetics (formerly Invitae), Labcorp
Classification: Uncertain significance for Hereditary breast ovarian cancer syndrome. Last evaluated: 2025-05-18. Review status: criteria provided, single submitter. Criteria: Invitae Variant Classification Sherloc (09022015). Collection method: clinical testing. Allele origin: germline.
Comment: This sequence change replaces serine, which is neutral and polar, with threonine, which is neutral and polar, at codon 308 of the BRCA1 protein (p.Ser308Thr). This variant is present in population databases (rs561998108, gnomAD 0.007%). This missense change has been observed in individual(s) with breast cancer (PMID: 31871109). ClinVar contains an entry for this variant (Variation ID: 182129). Invitae Evidence Modeling of protein sequence and biophysical properties (such as structural, functional, and spatial information, amino acid conservation, physicochemical variation, residue mobility, and thermodynamic stability) indicates that this missense variant is expected to disrupt BRCA1 protein function with a positive predictive value of 80%. In summary, the available evidence is currently insufficient to determine the role of this variant in disease. Therefore, it has been classified as a Variant of Uncertain Significance.

Ambry Genetics
Classification: Uncertain significance for Hereditary cancer-predisposing syndrome. Last evaluated: 2025-01-15. Review status: criteria provided, single submitter. Criteria: Ambry Variant Classification Scheme 2023. Collection method: clinical testing. Allele origin: germline.
Comment: The p.S308T variant (also known as c.923G>C), located in coding exon 9 of the BRCA1 gene, results from a G to C substitution at nucleotide position 923. The serine at codon 308 is replaced by threonine, an amino acid with similar properties. In a study of 196 women with breast cancer and 185 unaffected controls from Cameroon and Uganda, this variant was observed once (Adedokun B et al. Cancer Epidemiol Biomarkers Prev, 2020 02;29:359-367). This variant was also identified in a cohort of 3,579 African males diagnosed with prostate cancer who underwent multi-gene panel testing (Matejcic M et al. JCO Precis Oncol, 2020 Jan;4:32-43). This amino acid position is well conserved in available vertebrate species. In addition, the in silico prediction for this alteration is inconclusive. Since supporting evidence is limited at this time, the clinical significance of this alteration remains unclear.

KCCC/NGS Laboratory, Kuwait Cancer Control Center
Classification: Uncertain significance for Breast-ovarian cancer, familial, susceptibility to, 1. Last evaluated: 2024-09-09. Review status: criteria provided, single submitter. Criteria: ACMG Guidelines, 2015. Collection method: clinical testing. Allele origin: germline. Inheritance: Autosomal dominant inheritance. Affected: yes. Observed: 1 heterozygote.
Comment: This sequence change replaces serine, which is neutral and polar, with threonine, which is neutral and polar, at codon 308 of the BRCA1 protein (p.Ser308Thr).This amino acid position is not well conserved ( PhyloP=0.47). This variant is present in population databases (rs561998108, gnomAD 0.007%). This missense change has been observed in individual(s) with breast cancer (PMID: 31871109).This variant was also identified in a cohort of 3,579 African males diagnosed with prostate cancer who underwent multi-gene panel testing (Matejcic M et al. JCO Precis Oncol, 2020 Jan;4:32-43). ClinVar contains an entry for this variant (Variation ID: 182129). In addition, the in silico prediction for this alteration is inconclusive. In summary, the available evidence is currently insufficient to determine the role of this variant in disease. Therefore, it has been classified as a Variant of Uncertain Significance.

Color Diagnostics, LLC DBA Color Health
Classification: Uncertain significance for Hereditary cancer-predisposing syndrome. Last evaluated: 2024-06-03. Review status: criteria provided, single submitter. Criteria: ACMG Guidelines, 2015. Collection method: clinical testing. Allele origin: germline.
Comment: This missense variant replaces serine with threonine at codon 308 of the BRCA1 protein. Computational prediction suggests that this variant may have deleterious impact on protein structure and function. To our knowledge, functional studies have not been reported for this variant. This variant has been reported in four individuals from prostate and breast cancer case-control studies, but the cancer health history of the carriers were not provided (PMID: 31871109, 32832836). This variant has been identified in 2/251352 chromosomes in the general population by the Genome Aggregation Database (gnomAD). The available evidence is insufficient to determine the role of this variant in disease conclusively. Therefore, this variant is classified as a Variant of Uncertain Significance.

University of Washington Department of Laboratory Medicine, University of Washington
Classification: Likely benign for Hereditary cancer-predisposing syndrome. Last evaluated: 2023-03-23. Review status: criteria provided, single submitter. Criteria: Dines et al. (Genet Med. 2020). Collection method: curation. Allele origin: germline.
Comment: Missense variant in a coldspot region where missense variants are very unlikely to be pathogenic (PMID:31911673).

BRCA1 coldspot (exon 11 using historical exon numbering). Reclassification based on statistical prior probability

Genetic Services Laboratory, University of Chicago
Classification: Uncertain significance. Last evaluated: 2020-02-05. Review status: criteria provided, single submitter. Criteria: ACMG Guidelines, 2015. Collection method: clinical testing. Allele origin: germline. Affected: no.
Comment: DNA sequence analysis of the BRCA1 gene demonstrated a sequence change, c.923G>C, in exon 10 that results in an amino acid change, p.Ser308Thr. This sequence change does not appear to have been previously described in patients with BRCA1-related disorders and has been described in the gnomAD database with a low population frequency of 0.00080% (dbSNP rs561998108). The p.Ser308Thr change affects a moderately conserved amino acid residue located in a domain of the BRCA1 protein that is known to be functional. In-silico pathogenicity prediction tools (SIFT, PolyPhen2, Align GVGD, REVEL) provide contradictory results for the p.Ser308Thr substitution. Due to these contrasting evidences and the lack of functional studies, the clinical significance of the p.Ser308Thr change remains unknown at this time.

Quest Diagnostics Nichols Institute San Juan Capistrano
Classification: Uncertain significance. Last evaluated: 2019-06-12. Review status: criteria provided, single submitter. Criteria: Quest Diagnostics criteria. Collection method: clinical testing. Allele origin: germline.

GeneDx
Classification: Uncertain significance. Last evaluated: 2017-06-30. Review status: criteria provided, single submitter. Criteria: GeneDx Variant Classification (06012015). Collection method: clinical testing. Allele origin: germline. Affected: yes.
Comment: This variant is denoted BRCA1 c.923G>C at the cDNA level, p.Ser308Thr (S308T) at the protein level, and results in the change of a Serine to a Threonine (AGC>ACC). Using alternate nomenclature, this variant would be defined as BRCA1 1042G>C. Although this particular variant has not, to our knowledge, been published in the literature as pathogenic or benign, this site has been studied extensively. BRCA1 Ser308 was shown by Ouchi (2004) to be normally phosphorylated during the cell cycle, and a variant at that codon, BRCA1 Ser308Asn, abolished phosphorylation at this site. BRCA1 Ser308Thr was not observed at a significant allele frequency in large population cohorts (NHLBI Exome Sequencing Project, The 1000 Genomes Consortium 2015, Lek 2016). Since Serine and Threonine share similar properties, this is considered a conservative amino acid substitution. BRCA1 Ser308Thr occurs at a position where amino acids with properties similar to Serine are tolerated across species and is located at a known site of phosphorylation by Aurora-A kinase and in a region known to interact with multiple other proteins (Ouchi 2004, Paul 2014). In silico analyses predict that this variant is probably damaging to protein structure and function. Based on currently available evidence, it is unclear whether BRCA1 Ser308Thr is a pathogenic or benign variant. We consider it to be a variant of uncertain significance.

Literature cited by the submitters: PubMed 31871109 (cited by 3 submitters); PubMed 32832836 (cited by Ambry Genetics and Color Diagnostics, LLC DBA Color Health).

NM_007294.4(BRCA1):c.923G>C (p.Ser308Thr)

Gene: BRCA1 (BRCA1 DNA repair associated; minus strand). Cytogenetic location: 17q21.31.
Variant type: single nucleotide variant.
Coding change: c.923G>C on transcript NM_007294.4 (MANE Select); coding-DNA position 923, G replaced by C.
Protein change: p.Ser308Thr; replaces serine 308 with threonine.
Molecular consequence: missense variant. On other transcripts: intron variant (137).
Genome position (GRCh38, 1-based): chr17:43,094,608, C>G on the plus strand (G>C on the coding strand, the complement: BRCA1 is on the minus strand). VCF-style: chr17-43094608-C-G. GRCh37 (hg19) VCF-style: chr17-41246625-C-G.
Other names: p.S308T:AGC>ACC; c.920G>C, p.Ser307Thr (NM_001407611.1, NM_001407612.1, NM_001407613.1 and 22 more transcripts); c.923G>C, p.Ser308Thr (NM_001407616.1, NM_001407617.1, NM_001407618.1 and 30 more transcripts); c.845G>C, p.Ser282Thr (NM_001407653.1, NM_001407654.1, NM_001407655.1 and 4 more transcripts); c.842G>C, p.Ser281Thr (NM_001407659.1, NM_001407660.1, NM_001407661.1 and 1 more transcripts); c.797G>C, p.Ser266Thr (NM_001407671.1, NM_001407672.1, NM_001407673.1 and 11 more transcripts); c.800G>C, p.Ser267Thr (NM_001407674.1, NM_001407675.1, NM_001407676.1 and 19 more transcripts); c.782G>C, p.Ser261Thr (NM_001407692.1, NM_001407694.1, NM_001407695.1 and 29 more transcripts); and 42 more; short protein forms S308T, S261T, S12T, S140T, S180T, S240T, S266T, S281T.
Identifiers: ClinVar variation 182129 (VCV000182129.28), dbSNP rs561998108, ClinGen allele CA003966.
Genomic context (GRCh38, chr17:43,094,608, plus strand): 5'-CATGTTTCCTTACTTCCAGCCCATCTGTTATGTTGGCTCCTTGCTAAGCCAGGCTGTTTG[C>G]TTTTATTACAGAATTCAGCCTTTTCTACATTCATTCTGTCTTTAGTGAGTAATAAACTGC-3'
Protein context (NP_009225.1, residues 298-318): NVEKAEFCNK[Ser308Thr]KQPGLARSQH